The following is an entry in ClinVar:

NM_004637.5(RAB7A):c.-209_-204dup

Gene: RAB7A (RAB7A, member RAS oncogene family; plus strand). Cytogenetic location: 3q21.3.
Variant type: Duplication.
Coding change: c.-209_-204dup on transcript NM_004637.5; 209 bases upstream of the start codon through 204 bases upstream of the start codon, 6 bases duplicated (TGGCGG; older notation c.-209_-204dupTGGCGG).
Genome position (GRCh38, 1-based): chr3:128,726,159-128,726,164, TGGCGG duplicated; duplicating any 6 consecutive bases within chr3:128,726,154-128,726,164 gives the same sequence; the c. name uses the placement nearest the transcript's 3' end. VCF-style (leftmost placement, unchanged base first): chr3-128726153-C-CGGCGGT. GRCh37 (hg19) VCF-style: chr3-128444996-C-CGGCGGT.
Identifiers: ClinVar variation 343149 (VCV000343149.29), dbSNP rs770559386, ClinGen allele CA10617231.
Genomic context (GRCh38, chr3:128,726,153, plus strand): 5'-GGCTCCTCCCCCGCACCCTGGCGTCGAGCGTCTCGTGACAGGTACTTCCGCTCGGGGCGG[C>CGGCGGT]GGCGGTGGCGGAAGTGGGAGCGGGCCTGGAGTCTTGGCCATAAAGCCTGAGGCGGCGGCA-3'

ClinVar aggregate classification (germline): Benign (1 of 4 stars; one submission).

Submission:

CeGaT Center for Human Genetics Tuebingen
Classification: Benign. Last evaluated: 2022-09-01. Review status: criteria provided, single submitter. Criteria: CeGaT Center For Human Genetics Tuebingen Variant Classification Criteria Version 2. Collection method: clinical testing. Allele origin: germline. Affected: yes. Observed: 1 variant allele.
Comment: RAB7A: BS1, BS2